The following is an entry in ClinVar:

ClinVar aggregate classification (germline): Uncertain significance (1 of 4 stars; one submission).

Conditions:
RYR1-related disorder. Also called: RYR1-related disorders; RYR1-related condition. Identifiers: MedGen CN239331.

gnomAD v4.1: 2 of 1,614,120 alleles (0.00012%); highest among the groups gnomAD compares: African/African-American, 0.0013%; no homozygotes.

Submission:

Labcorp Genetics (formerly Invitae), Labcorp
Classification: Uncertain significance for RYR1-related disorder. Last evaluated: 2021-08-27. Review status: criteria provided, single submitter. Criteria: Invitae Variant Classification Sherloc (09022015). Collection method: clinical testing. Allele origin: germline.
Comment: This sequence change replaces methionine with lysine at codon 2178 of the RYR1 protein (p.Met2178Lys). The methionine residue is highly conserved and there is a moderate physicochemical difference between methionine and lysine. This variant is not present in population databases (ExAC no frequency). This variant has not been reported in the literature in individuals affected with RYR1-related conditions. Algorithms developed to predict the effect of missense changes on protein structure and function are either unavailable or do not agree on the potential impact of this missense change (SIFT: "Deleterious"; PolyPhen-2: "Benign"; Align-GVGD: "Class C0"). In summary, the available evidence is currently insufficient to determine the role of this variant in disease. Therefore, it has been classified as a Variant of Uncertain Significance.

NM_000540.3(RYR1):c.6533T>A (p.Met2178Lys)

Gene: RYR1 (ryanodine receptor 1; plus strand). Cytogenetic location: 19q13.2.
Variant type: single nucleotide variant.
Coding change: c.6533T>A on transcript NM_000540.3 (MANE Select); coding-DNA position 6533, T replaced by A.
Protein change: p.Met2178Lys; replaces methionine 2178 with lysine.
Molecular consequence: missense variant.
Genome position (GRCh38, 1-based): chr19:38,494,610, T>A. VCF-style: chr19-38494610-T-A. GRCh37 (hg19) VCF-style: chr19-38985250-T-A.
Other names: c.6533T>A, p.Met2178Lys (NM_001042723.2); short protein forms M2178K.
Identifiers: ClinVar variation 570105 (VCV000570105.6), dbSNP rs1568494072, ClinGen allele CA405664437.